The following is an entry in ClinVar:

ClinVar aggregate classification (germline): Uncertain significance (1 of 4 stars; one submission).

Conditions:
Familial focal epilepsy with variable foci (FPEVF). Identifiers: Orphanet 98820, MedGen C1858477, MONDO:0020310.

Submission:

Labcorp Genetics (formerly Invitae), Labcorp
Classification: Uncertain significance for Familial focal epilepsy with variable foci. Last evaluated: 2024-09-06. Review status: criteria provided, single submitter. Criteria: Invitae Variant Classification Sherloc (09022015). Collection method: clinical testing. Allele origin: germline.
Comment: This sequence change replaces methionine, which is neutral and non-polar, with isoleucine, which is neutral and non-polar, at codon 583 of the DEPDC5 protein (p.Met583Ile). This variant is not present in population databases (gnomAD no frequency). This variant has not been reported in the literature in individuals affected with DEPDC5-related conditions. Experimental studies and prediction algorithms are not available or were not evaluated, and the functional significance of this variant is currently unknown. In summary, the available evidence is currently insufficient to determine the role of this variant in disease. Therefore, it has been classified as a Variant of Uncertain Significance.

NM_001242896.3(DEPDC5):c.1749G>A (p.Met583Ile)

Gene: DEPDC5 (DEP domain containing 5, GATOR1 subcomplex subunit; plus strand). Cytogenetic location: 22q12.3.
Variant type: single nucleotide variant.
Coding change: c.1749G>A on transcript NM_001242896.3 (MANE Select); coding-DNA position 1749, G replaced by A.
Protein change: p.Met583Ile; replaces methionine 583 with isoleucine.
Molecular consequence: missense variant. On other transcripts: non-coding transcript variant (5).
Genome position (GRCh38, 1-based): chr22:31,819,104, G>A. VCF-style: chr22-31819104-G-A. GRCh37 (hg19) VCF-style: chr22-32215090-G-A.
Other names: c.1749G>A, p.Met583Ile (NM_001136029.4, NM_001242897.2, NM_001363852.2 and 6 more transcripts); c.1665G>A, p.Met555Ile (NM_001369901.1, NM_001369902.1); short protein forms M555I, M583I.
Identifiers: ClinVar variation 2909987 (VCV002909987.3), dbSNP rs2519375189, ClinGen allele CA411280638.